The following is an entry in ClinVar:

ClinVar aggregate classification (germline): Uncertain significance (1 of 4 stars; one submission).

Conditions:
Hyperuricemia, pulmonary hypertension, renal failure, alkalosis syndrome (HUPRAS). Also called: HUPRA SYNDROME; HYPERURICEMIA, PULMONARY HYPERTENSION, RENAL FAILURE, AND ALKALOSIS SYNDROME. Identifiers: Orphanet 363694, MedGen C3151209, MONDO:0013458, OMIM 613845.

gnomAD v4.1: 5 of 1,613,954 alleles (0.00031%); highest among the groups gnomAD compares: Admixed American, 0.0033%; no homozygotes.

Submission:

Dasa
Classification: Uncertain significance for Hyperuricemia, pulmonary hypertension, renal failure, alkalosis syndrome. Last evaluated: 2026-01-19. Review status: criteria provided, single submitter. Criteria: DASA Assertion Criteria. Collection method: clinical testing. Allele origin: germline.
Comment: NM_017827.4(SARS2):c.1285C>T (p.Gln429*) is a nonsense variant in SARS2 predicted to introduce a premature termination codon. This variant is rare in population databases. The currently available literature and clinical evidence are not sufficient to establish a definitive association between this variant and the reported condition. Therefore, this variant is classified as a variant of uncertain significance.

NM_017827.4(SARS2):c.1285C>T (p.Gln429Ter)

Gene: SARS2 (seryl-tRNA synthetase 2, mitochondrial; minus strand). Cytogenetic location: 19q13.2.
Variant type: single nucleotide variant.
Coding change: c.1285C>T on transcript NM_017827.4 (MANE Select); coding-DNA position 1285, C replaced by T.
Protein change: p.Gln429Ter; replaces glutamine 429 with a stop codon.
Molecular consequence: nonsense.
Genome position (GRCh38, 1-based): chr19:38,916,099, G>A on the plus strand (C>T on the coding strand, the complement: SARS2 is on the minus strand). VCF-style: chr19-38916099-G-A. GRCh37 (hg19) VCF-style: chr19-39406739-G-A.
Other names: c.1291C>T, p.Gln431Ter (NM_001145901.2); short protein forms Q429*, Q431*.
Identifiers: ClinVar variation 4883565 (VCV004883565.2).
Genomic context (GRCh38, chr19:38,916,099, plus strand): 5'-TGTGGGCAAACTGCAGCTCCCCAGCCTCGGTCTGGAACATGATGTGGAGGCGGCGGCTCT[G>A]GAAGTCTGTGCAGTTGGAAGCACTGGTGACCTGGGGTGGAGGAGCGGCAGGCTGAGCGGA-3'